The following is an entry in ClinVar:

ClinVar aggregate classification (germline): Benign/Likely benign. Review status: criteria provided, multiple submitters, no conflicts (2 of 4 stars). 6 submissions from 6 submitters: Benign (2); Likely benign (4). Last evaluated 2026-07-01.

Conditions:
Vitamin K-dependent clotting factors, combined deficiency of, type 2. Identifiers: Orphanet 98434, MedGen C1843832, MONDO:0011837, OMIM 607473.

Allele frequency attached by ClinVar (database versions not stated): 1000 Genomes Project 30x 0.00094; 1000 Genomes Project 0.00100; ESP Exome Variant Server 0.00341; TOPMed 0.00343; gnomAD exomes 0.00364 and 0.00625; ExAC 0.00373; gnomAD 0.00387 and 0.00401.
gnomAD v4.1: 9,648 of 1,608,224 alleles (0.6%); highest among the groups gnomAD compares: Non-Finnish European, 0.73%; 36 homozygotes.

Submissions (6):

CeGaT Center for Human Genetics Tuebingen
Classification: Likely benign. Last evaluated: 2026-07-01. Review status: criteria provided, single submitter. Criteria: CeGaT Center For Human Genetics Tuebingen Variant Classification Criteria Version 2. Collection method: clinical testing. Allele origin: germline. Affected: yes. Observed: 5 variant alleles.
Comment: VKORC1: BP4, BS2

Mayo Clinic Laboratories, Mayo Clinic
Classification: Benign. Last evaluated: 2025-08-04. Review status: criteria provided, single submitter. Criteria: ACMG Guidelines, 2015. Collection method: clinical testing. Allele origin: germline. Observed: 1 variant allele.
Comment: BS1, BS2, BP4, BP7

Blueprint Genetics
Classification: Likely benign. Last evaluated: 2024-11-14. Review status: criteria provided, single submitter. Criteria: ACMG Guidelines, 2015. Collection method: clinical testing. Allele origin: germline.

Labcorp Genetics (formerly Invitae), Labcorp
Classification: Benign. Last evaluated: 2019-12-31. Review status: criteria provided, single submitter. Criteria: Invitae Variant Classification Sherloc (09022015). Collection method: clinical testing. Allele origin: germline.

Illumina Laboratory Services, Illumina
Classification: Likely benign for Vitamin K-dependent clotting factors, combined deficiency of, type 2. Last evaluated: 2017-04-27. Review status: criteria provided, single submitter. Criteria: ICSL Variant Classification Criteria 13 December 2019. Collection method: clinical testing. Allele origin: germline.
Comment: This variant was observed as part of a predisposition screen in an ostensibly healthy population. A literature search was performed for the gene, cDNA change, and amino acid change (where applicable). Publications were found based on this search. The evidence from the literature, in combination with allele frequency data from public databases where available, was sufficient to determine this variant is unlikely to cause disease. Therefore, this variant is classified as likely benign.

Breakthrough Genomics
Classification: Likely benign. Review status: criteria provided, single submitter. Criteria: ACMG Guidelines, 2015. Collection method: not provided. Allele origin: germline. Inheritance: Autosomal recessive inheritance. Affected: yes.

Literature cited by the submitters: PubMed 16270630 (cited by Illumina Laboratory Services, Illumina); PubMed 15358623 (cited by Illumina Laboratory Services, Illumina); PubMed 14765194 (cited by Illumina Laboratory Services, Illumina).

NM_024006.6(VKORC1):c.129C>T (p.Cys43=)

Gene: VKORC1 (vitamin K epoxide reductase complex subunit 1; minus strand). Cytogenetic location: 16p11.2.
Variant type: single nucleotide variant.
Coding change: c.129C>T on transcript NM_024006.6 (MANE Select); coding-DNA position 129, C replaced by T.
Protein change: p.Cys43=; no amino-acid change (cysteine 43 retained).
Molecular consequence: synonymous variant.
Genome position (GRCh38, 1-based): chr16:31,094,601, G>A on the plus strand (C>T on the coding strand, the complement: VKORC1 is on the minus strand). VCF-style: chr16-31094601-G-A. GRCh37 (hg19) VCF-style: chr16-31105922-G-A.
Other names: p.Cys43=; c.129C>T, p.Cys43= (NM_001311311.2, NM_206824.3).
Identifiers: ClinVar variation 791061 (VCV000791061.36), dbSNP rs61742233, ClinGen allele CA8021290.